The following is an entry in ClinVar:

ClinVar aggregate classification (germline): Conflicting classifications of pathogenicity. Review status: criteria provided, conflicting classifications (1 of 4 stars). 3 submissions from 3 submitters: Uncertain significance (1); Likely benign (2). Last evaluated 2020-10-26.

Conditions:
Cardiovascular phenotype. Identifiers: MedGen CN230736.

Allele frequency attached by ClinVar (database versions not stated): gnomAD exomes below 0.00001 and 0.00001; ExAC 0.00001; gnomAD 0.00006 and 0.00007; ESP Exome Variant Server 0.00008; TOPMed 0.00008.
gnomAD v4.1: 13 of 1,613,206 alleles (0.00081%); highest among the groups gnomAD compares: African/African-American, 0.015%; no homozygotes.

Submissions (3):

Revvity Omics, Revvity
Classification: Uncertain significance. Last evaluated: 2020-10-26. Review status: criteria provided, single submitter. Criteria: ACMG Guidelines, 2015. Collection method: clinical testing. Allele origin: germline.

Ambry Genetics
Classification: Likely benign for Cardiovascular phenotype. Last evaluated: 2020-07-02. Review status: criteria provided, single submitter. Criteria: Ambry Variant Classification Scheme 2023. Collection method: clinical testing. Allele origin: germline.

GeneDx
Classification: Likely benign. Last evaluated: 2018-03-01. Review status: criteria provided, single submitter. Criteria: GeneDx Variant Classification (06012015). Collection method: clinical testing. Allele origin: germline. Affected: yes.
Comment: This variant is considered likely benign or benign based on one or more of the following criteria: it is a conservative change, it occurs at a poorly conserved position in the protein, it is predicted to be benign by multiple in silico algorithms, and/or has population frequency not consistent with disease.

NM_001267550.2(TTN):c.60025A>G (p.Ile20009Val)

Genes: TTN-AS1 (TTN antisense RNA 1; plus strand), TTN (titin; minus strand), LOC126806424 (CDK7 strongly-dependent group 2 enhancer GRCh37_chr2:179456337-179457536; plus strand). Cytogenetic location: 2q31.2.
Variant type: single nucleotide variant.
Coding change: c.60025A>G on transcript NM_001267550.2 (MANE Select); coding-DNA position 60025, A replaced by G.
Protein change: p.Ile20009Val; replaces isoleucine 20009 with valine.
Molecular consequence: missense variant.
Genome position (GRCh38, 1-based): chr2:178,591,794, T>C on the plus strand (A>G on the coding strand, the complement: TTN is on the minus strand). VCF-style: chr2-178591794-T-C. GRCh37 (hg19) VCF-style: chr2-179456521-T-C.
Other names: c.55102A>G, p.Ile18368Val (NM_001256850.1); c.32830A>G, p.Ile10944Val (NM_003319.4); c.52321A>G, p.Ile17441Val (NM_133378.4); c.33205A>G, p.Ile11069Val (NM_133432.3); c.33406A>G, p.Ile11136Val (NM_133437.4); short protein forms I18368V, I20009V, I10944V, I11136V, I11069V, I17441V.
Identifiers: ClinVar variation 515782 (VCV000515782.6), dbSNP rs371988490, ClinGen allele CA1992562.